The following is an entry in ClinVar:

NM_001044.5(SLC6A3):c.1225G>A (p.Val409Met)

Gene: SLC6A3 (solute carrier family 6 member 3). Cytogenetic location: 5p15.33.
Variant type: single nucleotide variant.
Coding change: c.1225G>A on transcript NM_001044.5 (MANE Select); coding-DNA position 1225, G replaced by A.
Protein change: p.Val409Met; replaces valine 409 with methionine.
Molecular consequence: missense variant.
Genome position (GRCh38, 1-based): chr5:1,411,287, C>T on the plus strand (G>A on the coding strand, the complement: SLC6A3 is on the minus strand). VCF-style: chr5-1411287-C-T. GRCh37 (hg19) VCF-style: chr5-1411402-C-T.
Other names: short protein forms V409M.
Identifiers: ClinVar variation 2074900 (VCV002074900.1), dbSNP rs555596885, ClinGen allele CA3186110.
Genomic context (GRCh38, chr5:1,411,287, plus strand): 5'-GGTGCGGGTTACTCACGGCGCTGTCGATACCCAGGGTGAGCAGCATGATGAAGAAGACCA[C>T]GGCCCAGGCTGAGGACAGAGGGAGCGTGGCGATGGCTTCCGGGTAGATGATGAAGATCAG-3'
Protein context (NP_001035.1, residues 399-419): ATLPLSSAWA[Val409Met]VFFIMLLTLG

ClinVar aggregate classification (germline): Uncertain significance (1 of 4 stars; one submission).

Conditions:
Parkinsonism-dystonia, infantile. Identifiers: Orphanet 238455, MedGen C2751067, MONDO:0013150.

Allele frequency attached by ClinVar (database versions not stated): gnomAD exomes 0.00002; TOPMed 0.00001; gnomAD 0.00002.
gnomAD v4.1: 26 of 1,554,832 alleles (0.0017%); highest among the groups gnomAD compares: African/African-American, 0.0041%; no homozygotes.

Submission:

Labcorp Genetics (formerly Invitae), Labcorp
Classification: Uncertain significance for Parkinsonism-dystonia, infantile. Last evaluated: 2022-05-13. Review status: criteria provided, single submitter. Criteria: Invitae Variant Classification Sherloc (09022015). Collection method: clinical testing. Allele origin: germline.
Comment: This sequence change replaces valine, which is neutral and non-polar, with methionine, which is neutral and non-polar, at codon 409 of the SLC6A3 protein (p.Val409Met). This variant is present in population databases (rs555596885, gnomAD 0.006%). This variant has not been reported in the literature in individuals affected with SLC6A3-related conditions. Algorithms developed to predict the effect of missense changes on protein structure and function are either unavailable or do not agree on the potential impact of this missense change (SIFT: "Deleterious"; PolyPhen-2: "Benign"; Align-GVGD: "Class C0"). In summary, the available evidence is currently insufficient to determine the role of this variant in disease. Therefore, it has been classified as a Variant of Uncertain Significance.